The following is an entry in ClinVar:

NM_001048174.2(MUTYH):c.175T>A (p.Phe59Ile)

Gene: MUTYH (mutY DNA glycosylase; minus strand). Cytogenetic location: 1p34.1.
Variant type: single nucleotide variant.
Coding change: c.175T>A on transcript NM_001048174.2 (MANE Select); coding-DNA position 175, T replaced by A.
Protein change: p.Phe59Ile; replaces phenylalanine 59 with isoleucine.
Molecular consequence: missense variant. On other transcripts: 5 prime UTR variant (1), non-coding transcript variant (5), intron variant (5).
Genome position (GRCh38, 1-based): chr1:45,333,502, A>T on the plus strand (T>A on the coding strand, the complement: MUTYH is on the minus strand). VCF-style: chr1-45333502-A-T. GRCh37 (hg19) VCF-style: chr1-45799174-A-T.
Other names: c.175T>A, p.Phe59Ile (NM_001048171.2, NM_001048173.2, NM_001293195.2 and 6 more transcripts); c.178T>A, p.Phe60Ile (NM_001048172.2, NM_001407071.1, NM_001407078.1 and 2 more transcripts); c.259T>A, p.Phe87Ile (NM_001128425.2); c.220T>A, p.Phe74Ile (NM_001293190.2); c.208T>A, p.Phe70Ile (NM_001293191.2, NM_001407077.1); c.-97T>A (NM_001350650.2); c.250T>A, p.Phe84Ile (NM_001407069.1, NM_012222.3); c.217T>A, p.Phe73Ile (NM_001407073.1, NM_001407083.1, NM_001407085.1); and 4 more; short protein forms F73I, F59I, F60I, F70I, F74I, F31I, F66I, F84I.
Identifiers: ClinVar variation 4113553 (VCV004113553.1).
Genomic context (GRCh38, chr1:45,333,502, plus strand): 5'-CTTGGTCGTACCAGCTTAGCAGGCTCCCTCGGAAGGCTGTGACTTCAGCTACGTCTCTGA[A>T]TAGATGGTATGAGGAGACAGAGGCCTGCAATACCACCTCTTCCGGCTGCCTGGCCAGGCC-3'
Protein context (NP_001041639.1, residues 49-69): LQASVSSYHL[Phe59Ile]RDVAEVTAFR

ClinVar aggregate classification (germline): Uncertain significance (1 of 4 stars; one submission).

Conditions:
Hereditary cancer-predisposing syndrome. Also called: Hereditary neoplastic syndrome; Neoplastic Syndromes, Hereditary; Tumor predisposition; Hereditary Cancer Syndrome. Identifiers: Orphanet 140162, MedGen C0027672, MeSH D009386, MONDO:0015356.

Submission:

Ambry Genetics
Classification: Uncertain significance for Hereditary cancer-predisposing syndrome. Last evaluated: 2025-08-27. Review status: criteria provided, single submitter. Criteria: Ambry Variant Classification Scheme 2023. Collection method: clinical testing. Allele origin: germline.
Comment: The p.F87I variant (also known as c.259T>A), located in coding exon 3 of the MUTYH gene, results from a T to A substitution at nucleotide position 259. The phenylalanine at codon 87 is replaced by isoleucine, an amino acid with highly similar properties. This amino acid position is conserved. In addition, the in silico prediction for this alteration is inconclusive. Based on the available evidence, the clinical significance of this variant remains unclear.